The following is an entry in ClinVar:

NM_030665.4(RAI1):c.970C>G (p.Pro324Ala)

Gene: RAI1 (retinoic acid induced 1; plus strand). Cytogenetic location: 17p11.2.
Variant type: single nucleotide variant.
Coding change: c.970C>G on transcript NM_030665.4 (MANE Select); coding-DNA position 970, C replaced by G.
Protein change: p.Pro324Ala; replaces proline 324 with alanine.
Molecular consequence: missense variant.
Genome position (GRCh38, 1-based): chr17:17,793,918, C>G. VCF-style: chr17-17793918-C-G. GRCh37 (hg19) VCF-style: chr17-17697232-C-G.
Other names: short protein forms P324A.
Identifiers: ClinVar variation 1719580 (VCV001719580.5), dbSNP rs2032126200, ClinGen allele CA398546615.

ClinVar aggregate classification (germline): Uncertain significance (1 of 4 stars; one submission).

Allele frequency attached by ClinVar (database versions not stated): TOPMed below 0.00001.

Submission:

Labcorp Genetics (formerly Invitae), Labcorp
Classification: Uncertain significance. Last evaluated: 2022-09-16. Review status: criteria provided, single submitter. Criteria: Invitae Variant Classification Sherloc (09022015). Collection method: clinical testing. Allele origin: germline.
Comment: This variant has not been reported in the literature in individuals affected with RAI1-related conditions. This variant is not present in population databases (gnomAD no frequency). In summary, the available evidence is currently insufficient to determine the role of this variant in disease. Therefore, it has been classified as a Variant of Uncertain Significance. Advanced modeling of protein sequence and biophysical properties (such as structural, functional, and spatial information, amino acid conservation, physicochemical variation, residue mobility, and thermodynamic stability) performed at Invitae indicates that this missense variant is not expected to disrupt RAI1 protein function. This sequence change replaces proline, which is neutral and non-polar, with alanine, which is neutral and non-polar, at codon 324 of the RAI1 protein (p.Pro324Ala).